The following is an entry in ClinVar:

NM_000039.3(APOA1):c.103G>A (p.Val35Met)

Genes: APOA1 (apolipoprotein A1; minus strand), APOA1-AS (APOA1 antisense RNA; plus strand). Cytogenetic location: 11q23.3.
Variant type: single nucleotide variant.
Coding change: c.103G>A on transcript NM_000039.3 (MANE Select); coding-DNA position 103, G replaced by A.
Protein change: p.Val35Met; replaces valine 35 with methionine.
Molecular consequence: missense variant.
Genome position (GRCh38, 1-based): chr11:116,837,098, C>T on the plus strand (G>A on the coding strand, the complement: APOA1 is on the minus strand). VCF-style: chr11-116837098-C-T. GRCh37 (hg19) VCF-style: chr11-116707814-C-T.
Other names: c.103G>A, p.Val35Met (NM_001318017.2, NM_001318018.2); c.-225G>A (NM_001318021.2); short protein forms V35M.
Identifiers: ClinVar variation 1498310 (VCV001498310.8), dbSNP rs1476964300, ClinGen allele CA382720971.

ClinVar aggregate classification (germline): Uncertain significance. Review status: criteria provided, multiple submitters, no conflicts (2 of 4 stars). 2 submissions from 2 submitters: Uncertain significance (2). Last evaluated 2025-01-06.

Conditions:
Cardiovascular phenotype. Identifiers: MedGen CN230736.

Allele frequency attached by ClinVar (database versions not stated): gnomAD exomes below 0.00001; gnomAD 0.00001; TOPMed 0.00001.
gnomAD v4.1: 6 of 1,613,992 alleles (0.00037%); highest among the groups gnomAD compares: Non-Finnish European, 0.00051%; no homozygotes.

Submissions (2):

Labcorp Genetics (formerly Invitae), Labcorp
Classification: Uncertain significance. Last evaluated: 2025-01-06. Review status: criteria provided, single submitter. Criteria: Invitae Variant Classification Sherloc (09022015). Collection method: clinical testing. Allele origin: germline.
Comment: This sequence change replaces valine, which is neutral and non-polar, with methionine, which is neutral and non-polar, at codon 35 of the APOA1 protein (p.Val35Met). This variant is not present in population databases (gnomAD no frequency). This variant has not been reported in the literature in individuals affected with APOA1-related conditions. ClinVar contains an entry for this variant (Variation ID: 1498310). An algorithm developed to predict the effect of missense changes on protein structure and function outputs the following: PolyPhen-2: "Benign". The methionine amino acid residue is found in multiple mammalian species, which suggests that this missense change does not adversely affect protein function. In summary, the available evidence is currently insufficient to determine the role of this variant in disease. Therefore, it has been classified as a Variant of Uncertain Significance.

Ambry Genetics
Classification: Uncertain significance for Cardiovascular phenotype. Last evaluated: 2021-12-08. Review status: criteria provided, single submitter. Criteria: Ambry Variant Classification Scheme 2023. Collection method: clinical testing. Allele origin: germline.
Comment: The p.V35M variant (also known as c.103G>A), located in coding exon 2 of the APOA1 gene, results from a G to A substitution at nucleotide position 103. The valine at codon 35 is replaced by methionine, an amino acid with highly similar properties. This amino acid position is not well conserved in available vertebrate species, and methionine is the reference amino acid in other vertebrate species. In addition, this alteration is predicted to be tolerated by in silico analysis. Since supporting evidence is limited at this time, the clinical significance of this alteration remains unclear.